The following is an entry in ClinVar:

ClinVar aggregate classification (germline): Uncertain significance (1 of 4 stars; one submission).

Submission:

GeneDx
Classification: Uncertain significance. Last evaluated: 2024-04-04. Review status: criteria provided, single submitter. Criteria: GeneDx Variant Classification Process June 2021. Collection method: clinical testing. Allele origin: germline. Affected: yes.
Comment: Not observed at significant frequency in large population cohorts (gnomAD); In silico analysis supports that this missense variant has a deleterious effect on protein structure/function; Has not been previously published as pathogenic or benign to our knowledge

NM_003542.4(H4C3):c.95A>G (p.Lys32Arg)

Gene: H4C3 (H4 clustered histone 3; plus strand). Cytogenetic location: 6p22.2.
Variant type: single nucleotide variant.
Coding change: c.95A>G on transcript NM_003542.4 (MANE Select); coding-DNA position 95, A replaced by G.
Protein change: p.Lys32Arg; replaces lysine 32 with arginine.
Molecular consequence: missense variant.
Genome position (GRCh38, 1-based): chr6:26,104,042, A>G. VCF-style: chr6-26104042-A-G. GRCh37 (hg19) VCF-style: chr6-26104270-A-G.
Other names: short protein forms K32R.
Identifiers: ClinVar variation 3371773 (VCV003371773.1).
Genomic context (GRCh38, chr6:26,104,042, plus strand): 5'-GGAAGGGTGGTGCTAAGCGCCATCGTAAGGTGCTCCGGGATAACATCCAGGGCATTACAA[A>G]ACCGGCTATTCGCCGTTTGGCTCGGCGCGGTGGCGTCAAGCGCATTTCCGGTCTTATCTA-3'
Protein context (NP_003533.1, residues 22-42): VLRDNIQGIT[Lys32Arg]PAIRRLARRG